The following is an entry in ClinVar:

ClinVar aggregate classification (germline): Uncertain significance (1 of 4 stars; one submission).

Submission:

Labcorp Genetics (formerly Invitae), Labcorp
Classification: Uncertain significance. Last evaluated: 2023-02-13. Review status: criteria provided, single submitter. Criteria: Invitae Variant Classification Sherloc (09022015). Collection method: clinical testing. Allele origin: germline.
Comment: This sequence change replaces aspartic acid, which is acidic and polar, with asparagine, which is neutral and polar, at codon 692 of the MMP9 protein (p.Asp692Asn). This variant is not present in population databases (gnomAD no frequency). This variant has not been reported in the literature in individuals affected with MMP9-related conditions. Algorithms developed to predict the effect of missense changes on protein structure and function are either unavailable or do not agree on the potential impact of this missense change (SIFT: "Deleterious"; PolyPhen-2: "Probably Damaging"; Align-GVGD: "Class C0"). In summary, the available evidence is currently insufficient to determine the role of this variant in disease. Therefore, it has been classified as a Variant of Uncertain Significance.

NM_004994.3(MMP9):c.2074G>A (p.Asp692Asn)

Genes: MMP9 (matrix metallopeptidase 9; plus strand), SLC12A5-AS1 (SLC12A5 and MMP9 antisense RNA 1; minus strand). Cytogenetic location: 20q13.12.
Variant type: single nucleotide variant.
Coding change: c.2074G>A on transcript NM_004994.3 (MANE Select); coding-DNA position 2074, G replaced by A.
Protein change: p.Asp692Asn; replaces aspartic acid 692 with asparagine.
Molecular consequence: missense variant.
Genome position (GRCh38, 1-based): chr20:46,016,318, G>A. VCF-style: chr20-46016318-G-A. GRCh37 (hg19) VCF-style: chr20-44644957-G-A.
Other names: short protein forms D692N.
Identifiers: ClinVar variation 2869507 (VCV002869507.3), dbSNP rs756600684, ClinGen allele CA409227953.